The following is an entry in ClinVar:

ClinVar aggregate classification (germline): Uncertain significance (1 of 4 stars; one submission).

Conditions:
Dystonic disorder. Also called: Dystonia. Identifiers: MedGen C0013421, MONDO:0003441, HP:0001332.

Allele frequency attached by ClinVar (database versions not stated): ExAC 0.00001; gnomAD 0.00001; gnomAD exomes 0.00001 and 0.00005; TOPMed 0.00002.
gnomAD v4.1: 16 of 1,613,838 alleles (0.00099%); highest among the groups gnomAD compares: East Asian, 0.033%; no homozygotes.

Submission:

Labcorp Genetics (formerly Invitae), Labcorp
Classification: Uncertain significance for Dystonic disorder. Last evaluated: 2024-04-10. Review status: criteria provided, single submitter. Criteria: Invitae Variant Classification Sherloc (09022015). Collection method: clinical testing. Allele origin: germline.
Comment: This sequence change replaces asparagine, which is neutral and polar, with aspartic acid, which is acidic and polar, at codon 176 of the DRD2 protein (p.Asn176Asp). This variant is present in population databases (rs776148708, gnomAD 0.07%), and has an allele count higher than expected for a pathogenic variant. This variant has not been reported in the literature in individuals affected with DRD2-related conditions. ClinVar contains an entry for this variant (Variation ID: 967464). An algorithm developed to predict the effect of missense changes on protein structure and function (PolyPhen-2) suggests that this variant is likely to be tolerated. In summary, the available evidence is currently insufficient to determine the role of this variant in disease. Therefore, it has been classified as a Variant of Uncertain Significance.

NM_000795.4(DRD2):c.526A>G (p.Asn176Asp)

Gene: DRD2 (dopamine receptor D2; minus strand). Cytogenetic location: 11q23.2.
Variant type: single nucleotide variant.
Coding change: c.526A>G on transcript NM_000795.4 (MANE Select); coding-DNA position 526, A replaced by G.
Protein change: p.Asn176Asp; replaces asparagine 176 with aspartic acid.
Molecular consequence: missense variant.
Genome position (GRCh38, 1-based): chr11:113,416,869, T>C on the plus strand (A>G on the coding strand, the complement: DRD2 is on the minus strand). VCF-style: chr11-113416869-T-C. GRCh37 (hg19) VCF-style: chr11-113287591-T-C.
Other names: c.526A>G, p.Asn176Asp (NM_016574.4); short protein forms N176D.
Identifiers: ClinVar variation 967464 (VCV000967464.9), dbSNP rs776148708, ClinGen allele CA6281375.
Genomic context (GRCh38, chr11:113,416,869, plus strand): 5'-GGGAGCAGGGGCCCAGGGCCAGCTGAGCCTCAGGCAAACAAAAGCAGAATGTACCTGCGT[T>C]ATTGAGTCCGAAGAGGAGTGGGCAGGAGATGGTGAAGGACAGGACCCAGACGATGGAGAT-3'
Protein context (NP_000786.1, residues 166-186): ISCPLLFGLN[Asn176Asp]ADQNECIIAN